The following is an entry in ClinVar:

NM_002206.3(ITGA7):c.496C>A (p.Leu166Ile)

Gene: ITGA7 (integrin subunit alpha 7; minus strand). Cytogenetic location: 12q13.2.
Variant type: single nucleotide variant.
Coding change: c.496C>A on transcript NM_002206.3 (MANE Select); coding-DNA position 496, C replaced by A.
Protein change: p.Leu166Ile; replaces leucine 166 with isoleucine.
Molecular consequence: missense variant. On other transcripts: 5 prime UTR variant (1).
Genome position (GRCh38, 1-based): chr12:55,701,073, G>T on the plus strand (C>A on the coding strand, the complement: ITGA7 is on the minus strand). VCF-style: chr12-55701073-G-T. GRCh37 (hg19) VCF-style: chr12-56094857-G-T.
Other names: c.496C>A, p.Leu166Ile (NM_001144996.2, NM_001374465.1, NM_001410977.1 and 5 more transcripts); c.205C>A, p.Leu69Ile (NM_001144997.2); c.157C>A, p.Leu53Ile (NM_001367993.1, NM_001414035.1); c.-677C>A (NM_001367994.1); short protein forms L69I, L166I, L53I.
Identifiers: ClinVar variation 1387972 (VCV001387972.6), dbSNP rs1261268090, ClinGen allele CA385192304.

ClinVar aggregate classification (germline): Uncertain significance (1 of 4 stars; one submission).

Conditions:
Congenital muscular dystrophy due to integrin alpha-7 deficiency. Also called: MYOPATHY, CONGENITAL, DUE TO INTEGRIN ALPHA-7 DEFICIENCY; Congenital muscular dystrophy with integrin alpha-7 deficiency; Muscular dystrophy, congenital, due to ITGA7 deficiency. Identifiers: Orphanet 34520, MedGen C2750786, MONDO:0013177, OMIM 613204.

Submission:

Labcorp Genetics (formerly Invitae), Labcorp
Classification: Uncertain significance for Congenital muscular dystrophy due to integrin alpha-7 deficiency. Last evaluated: 2021-10-19. Review status: criteria provided, single submitter. Criteria: Invitae Variant Classification Sherloc (09022015). Collection method: clinical testing. Allele origin: germline.
Comment: This sequence change replaces leucine, which is neutral and non-polar, with isoleucine, which is neutral and non-polar, at codon 166 of the ITGA7 protein (p.Leu166Ile). This variant is not present in population databases (gnomAD no frequency). This variant has not been reported in the literature in individuals affected with ITGA7-related conditions. Algorithms developed to predict the effect of missense changes on protein structure and function (SIFT, PolyPhen-2, Align-GVGD) all suggest that this variant is likely to be tolerated. In summary, the available evidence is currently insufficient to determine the role of this variant in disease. Therefore, it has been classified as a Variant of Uncertain Significance.